The following is an entry in ClinVar:

ClinVar aggregate classification (germline): Uncertain significance. Review status: criteria provided, multiple submitters, no conflicts (2 of 4 stars). 4 submissions from 4 submitters: Uncertain significance (4). Last evaluated 2025-11-06.

Conditions:
Hereditary cancer-predisposing syndrome. Also called: Tumor predisposition; Hereditary Cancer Syndrome; Neoplastic Syndromes, Hereditary; Hereditary neoplastic syndrome. Identifiers: Orphanet 140162, MedGen C0027672, MeSH D009386, MONDO:0015356.
Familial cancer of breast. Also called: Hereditary breast cancer; hereditary breast carcinoma; BREAST CANCER, FAMILIAL. Identifiers: Orphanet 227535, MedGen C0346153, MONDO:0016419, OMIM 114480. Disease mechanism: loss of function.
Ataxia-telangiectasia syndrome (AT). Also called: Cerebello-oculocutaneous telangiectasia; Immunodeficiency with ataxia telangiectasia; Ataxia-telangiectasia, complementation group D; AT, COMPLEMENTATION GROUP C; Ataxia-telangiectasia, complementation group E; LOUIS-BAR SYNDROME. Identifiers: Orphanet 100, MedGen C0004135, MONDO:0008840, OMIM 208900.

Allele frequency attached by ClinVar (database versions not stated): gnomAD exomes below 0.00001; ExAC 0.00001.

Submissions (4):

Ambry Genetics
Classification: Uncertain significance for Hereditary cancer-predisposing syndrome. Last evaluated: 2025-11-06. Review status: criteria provided, single submitter. Criteria: Ambry Variant Classification Scheme 2023. Collection method: clinical testing. Allele origin: germline.
Comment: The p.F1703S variant (also known as c.5108T>C), located in coding exon 33 of the ATM gene, results from a T to C substitution at nucleotide position 5108. The phenylalanine at codon 1703 is replaced by serine, an amino acid with highly dissimilar properties. In an assay testing ATM function, this variant showed a functionally normal result (Lee KS et al. Cell, 2025 Sep;188:5081-5099.e27). This amino acid position is not well conserved in available vertebrate species. In addition, the in silico prediction for this alteration is inconclusive. Based on the available evidence, the clinical significance of this variant remains unclear.

Labcorp Genetics (formerly Invitae), Labcorp
Classification: Uncertain significance for Ataxia-telangiectasia syndrome. Last evaluated: 2024-03-13. Review status: criteria provided, single submitter. Criteria: Invitae Variant Classification Sherloc (09022015). Collection method: clinical testing. Allele origin: germline.
Comment: This sequence change replaces phenylalanine, which is neutral and non-polar, with serine, which is neutral and polar, at codon 1703 of the ATM protein (p.Phe1703Ser). This variant is present in population databases (rs772376652, gnomAD 0.006%). This variant has not been reported in the literature in individuals affected with ATM-related conditions. ClinVar contains an entry for this variant (Variation ID: 453560). An algorithm developed to predict the effect of missense changes on protein structure and function (PolyPhen-2) suggests that this variant is likely to be tolerated. In summary, the available evidence is currently insufficient to determine the role of this variant in disease. Therefore, it has been classified as a Variant of Uncertain Significance.

Baylor Genetics
Classification: Uncertain significance for Familial cancer of breast. Last evaluated: 2023-08-05. Review status: criteria provided, single submitter. Criteria: ACMG Guidelines, 2015. Collection method: clinical testing. Allele origin: unknown.

Color Diagnostics, LLC DBA Color Health
Classification: Uncertain significance for Hereditary cancer-predisposing syndrome. Last evaluated: 2019-05-07. Review status: criteria provided, single submitter. Criteria: ACMG Guidelines, 2015. Collection method: clinical testing. Allele origin: germline.

Literature cited by the submitters: PubMed 40580951 (cited by Ambry Genetics).

NM_000051.4(ATM):c.5108T>C (p.Phe1703Ser)

Gene: ATM (ATM serine/threonine kinase; plus strand). Cytogenetic location: 11q22.3.
Variant type: single nucleotide variant.
Coding change: c.5108T>C on transcript NM_000051.4 (MANE Select); coding-DNA position 5108, T replaced by C.
Protein change: p.Phe1703Ser; replaces phenylalanine 1703 with serine.
Molecular consequence: missense variant.
Genome position (GRCh38, 1-based): chr11:108,299,816, T>C. VCF-style: chr11-108299816-T-C. GRCh37 (hg19) VCF-style: chr11-108170543-T-C.
Other names: c.5108T>C, p.Phe1703Ser (NM_001351834.2); short protein forms F1703S.
Identifiers: ClinVar variation 453560 (VCV000453560.15), dbSNP rs772376652, ClinGen allele CA6265631.